The following is an entry in ClinVar:

NM_000548.5(TSC2):c.918C>T (p.Ala306=)

Gene: TSC2 (TSC complex subunit 2; plus strand). Cytogenetic location: 16p13.3.
Variant type: single nucleotide variant.
Coding change: c.918C>T on transcript NM_000548.5 (MANE Select); coding-DNA position 918, C replaced by T.
Protein change: p.Ala306=; no amino-acid change (alanine 306 retained).
Molecular consequence: synonymous variant.
Genome position (GRCh38, 1-based): chr16:2,058,816, C>T. VCF-style: chr16-2058816-C-T. GRCh37 (hg19) VCF-style: chr16-2108817-C-T.
Other names: c.318C>T, p.Ala106= (NM_001318831.2); c.951C>T, p.Ala317= (NM_001318832.2); c.918C>T, p.Ala306= (NM_001363528.2, NM_001370404.1, NM_001370405.1 and 3 more transcripts); c.807C>T, p.Ala269= (NM_001318827.2); c.771C>T, p.Ala257= (NM_001318829.2); c.918C>T (NM_000548.3).
Identifiers: ClinVar variation 1093935 (VCV001093935.11), dbSNP rs2151107825, ClinGen allele CA492959716.

ClinVar aggregate classification (germline): Conflicting classifications of pathogenicity. Review status: criteria provided, conflicting classifications (1 of 4 stars). 3 submissions from 3 submitters: Uncertain significance (1); Benign (1); Likely benign (1). Last evaluated 2025-05-12.

Conditions:
Hereditary cancer-predisposing syndrome. Also called: Tumor predisposition; Neoplastic Syndromes, Hereditary; Hereditary Cancer Syndrome; Hereditary neoplastic syndrome. Identifiers: Orphanet 140162, MedGen C0027672, MeSH D009386, MONDO:0015356.
Tuberous sclerosis 2 (TSC2). Identifiers: Orphanet 805, MedGen C1860707, MONDO:0013199, OMIM 613254.

Submissions (3):

Myriad Genetics, Inc.
Classification: Benign for Tuberous sclerosis 2. Last evaluated: 2025-05-12. Review status: criteria provided, single submitter. Criteria: Myriad Autosomal Dominant, Autosomal Recessive and X-Linked Classification Criteria (2023). Collection method: clinical testing. Allele origin: unknown.
Comment: This variant is considered benign. This variant is a silent/synonymous amino acid change and it is not expected to impact splicing.

Ambry Genetics
Classification: Uncertain significance for Hereditary cancer-predisposing syndrome. Last evaluated: 2024-09-09. Review status: criteria provided, single submitter. Criteria: Ambry Variant Classification Scheme 2023. Collection method: clinical testing. Allele origin: germline.
Comment: The c.918C>T variant (also known as p.A306A), located in coding exon 9 of the TSC2 gene, results from a C to T substitution at nucleotide position 918. This nucleotide substitution does not change the amino acid at codon 306. This nucleotide position is not well conserved in available vertebrate species. In silico splice site analysis predicts that this alteration may result in the creation or strengthening of a novel splice acceptor site. Based on the available evidence, the clinical significance of this variant remains unclear.

Labcorp Genetics (formerly Invitae), Labcorp
Classification: Likely benign for Tuberous sclerosis 2. Last evaluated: 2020-09-17. Review status: criteria provided, single submitter. Criteria: Invitae Variant Classification Sherloc (09022015). Collection method: clinical testing. Allele origin: germline.